The following is an entry in ClinVar:

NM_001384474.1(LOXHD1):c.4860C>T (p.Tyr1620=)

Gene: LOXHD1 (lipoxygenase homology PLAT domains 1; minus strand). Cytogenetic location: 18q21.1.
Variant type: single nucleotide variant.
Coding change: c.4860C>T on transcript NM_001384474.1 (MANE Select); coding-DNA position 4860, C replaced by T.
Protein change: p.Tyr1620=; no amino-acid change (tyrosine 1620 retained).
Molecular consequence: synonymous variant.
Genome position (GRCh38, 1-based): chr18:46,524,482, G>A on the plus strand (C>T on the coding strand, the complement: LOXHD1 is on the minus strand). VCF-style: chr18-46524482-G-A. GRCh37 (hg19) VCF-style: chr18-44104445-G-A.
Other names: c.1527C>T, p.Tyr509= (NM_001145472.3); c.1239C>T, p.Tyr413= (NM_001308013.2); c.4860C>T, p.Tyr1620= (NM_144612.7).
Identifiers: ClinVar variation 680191 (VCV000680191.11), dbSNP rs982841436, ClinGen allele CA299801707.
Genomic context (GRCh38, chr18:46,524,482, plus strand): 5'-CCATGTGCCTGGCCCCCGTCCAAAGAGCTCCCTGGTTGGCTTACTTGGGCCCTCTTGAAC[G>A]TAGTCAGCCATGGGCCCGGTCACTGTGCTGATGTCGACATCGGCCATCTTGGAGCTCAGG-3'
Protein context (NP_001371403.1, residues 1610-1630): ISTVTGPMAD[Tyr1620=]VQEGPIIPYY

ClinVar aggregate classification (germline): Likely benign. Review status: criteria provided, multiple submitters, no conflicts (2 of 4 stars). 2 submissions from 2 submitters: Likely benign (2). Last evaluated 2024-01-28.

Allele frequency attached by ClinVar (database versions not stated): gnomAD exomes 0.00001; gnomAD 0.00002; TOPMed 0.00002.
gnomAD v4.1: 11 of 1,551,280 alleles (0.00071%); highest among the groups gnomAD compares: Middle Eastern, 0.017%; no homozygotes.

Submissions (2):

Labcorp Genetics (formerly Invitae), Labcorp
Classification: Likely benign. Last evaluated: 2024-01-28. Review status: criteria provided, single submitter. Criteria: Invitae Variant Classification Sherloc (09022015). Collection method: clinical testing. Allele origin: germline.

GeneDx
Classification: Likely benign. Last evaluated: 2018-03-13. Review status: criteria provided, single submitter. Criteria: GeneDx Variant Classification (06012015). Collection method: clinical testing. Allele origin: germline. Affected: yes.
Comment: This variant is considered likely benign or benign based on one or more of the following criteria: it is a conservative change, it occurs at a poorly conserved position in the protein, it is predicted to be benign by multiple in silico algorithms, and/or has population frequency not consistent with disease.